The following is an entry in ClinVar:

NM_001844.5(COL2A1):c.3047_3056dup (p.Gly1020fs)

Gene: COL2A1 (collagen type II alpha 1 chain; minus strand). Cytogenetic location: 12q13.11.
Variant type: Duplication.
Coding change: c.3047_3056dup on transcript NM_001844.5 (MANE Select); coding-DNA positions 3047 to 3056, 10 bases duplicated (GAGGTCCTCC; older notation c.3047_3056dupGAGGTCCTCC).
Protein change: p.Gly1020fs; shifts the reading frame from glycine 1020.
Molecular consequence: frameshift variant.
Genome position (GRCh38, 1-based): chr12:47,978,065-47,978,074, GGAGGACCTC duplicated on the plus strand (GAGGTCCTCC on the coding strand, the reverse complement: COL2A1 is on the minus strand). VCF-style (leftmost placement, unchanged base first): chr12-47978064-A-AGGAGGACCTC. GRCh37 (hg19) VCF-style: chr12-48371847-A-AGGAGGACCTC.
Other names: c.2840_2849dup, p.Gly951fs (NM_033150.3); short protein forms G1020fs, G951fs.
Identifiers: ClinVar variation 1173042 (VCV001173042.1), dbSNP rs2136525064, ClinGen allele CA2499221658.

ClinVar aggregate classification (germline): Pathogenic (1 of 4 stars; one submission).

Submission:

GeneDx
Classification: Pathogenic. Last evaluated: 2019-05-06. Review status: criteria provided, single submitter. Criteria: GeneDx Variant Classification (06012015). Collection method: clinical testing. Allele origin: germline. Affected: yes.
Comment: Frameshift variant predicted to result in protein truncation or nonsense mediated decay in a gene for which loss-of-function is a known mechanism of disease Not observed in large population cohorts (Lek et al., 2016) Has not been previously published as pathogenic or benign to our knowledge